The following is an entry in ClinVar:

NM_000549.5(TSHB):c.230del (p.Phe77fs)

Gene: TSHB (thyroid stimulating hormone subunit beta; plus strand). Cytogenetic location: 1p13.2.
Variant type: Deletion.
Coding change: c.230del on transcript NM_000549.5 (MANE Select); coding-DNA position 230, one base deleted (T; older notation c.230delT).
Protein change: p.Phe77fs; shifts the reading frame from phenylalanine 77.
Molecular consequence: frameshift variant.
Genome position (GRCh38, 1-based): chr1:115,034,040, T deleted; the last of 2 consecutive T bases (chr1:115,034,039-115,034,040); deleting either gives the same sequence. VCF-style (leftmost placement, unchanged base first): chr1-115034038-CT-C. GRCh37 (hg19) VCF-style: chr1-115576659-CT-C.
Other names: c.230delT (NM_000549.4); c.95del, p.Phe32fs (NM_001277991.1); short protein forms F77fs, F32fs.
Identifiers: ClinVar variation 2733969 (VCV002733969.3), dbSNP rs771834192, ClinGen allele CA1022564.

ClinVar aggregate classification (germline): Pathogenic/Likely pathogenic. Review status: criteria provided, multiple submitters, no conflicts (2 of 4 stars). 3 submissions from 3 submitters: Pathogenic (1); Likely pathogenic (2). Last evaluated 2025-11-12.

Conditions:
TSHB-related disorder. Also called: TSHB-related condition.
Isolated thyroid-stimulating hormone deficiency. Also called: PITUITARY CRETINISM; THYROID-STIMULATING HORMONE DEFICIENCY; THYROTROPIN DEFICIENCY, ISOLATED; TSH DEFICIENCY; Hypothryoidism, congenital, nongoitrous 4; Thyroid-stimulating hormone, deficiency of. Identifiers: Orphanet 90674, MedGen C0271789, MONDO:0010139, OMIM 275100.

Submissions (3):

PreventionGenetics, part of Exact Sciences
Classification: Likely pathogenic for TSHB-related condition. Last evaluated: 2025-11-12. Review status: criteria provided, single submitter. Criteria: ACMG Guidelines, 2015. Collection method: clinical testing. Allele origin: germline.
Comment: The TSHB c.230delT variant is predicted to result in a frameshift and premature protein termination (p.Phe77Serfs*6). This variant has been reported in an individual with hypothyroidism (Morales et al. 2004. PubMed ID: 15112912). This variant is reported in 0.00088% of alleles in individuals of European (Non-Finnish) descent in gnomAD. Frameshift variants in TSHB are expected to be pathogenic. This variant is interpreted as likely pathogenic.

Fulgent Genetics
Classification: Likely pathogenic for Isolated thyroid-stimulating hormone deficiency. Last evaluated: 2024-01-25. Review status: criteria provided, single submitter. Criteria: ACMG Guidelines, 2015. Collection method: clinical testing. Allele origin: germline.

Labcorp Genetics (formerly Invitae), Labcorp
Classification: Pathogenic. Last evaluated: 2023-01-22. Review status: criteria provided, single submitter. Criteria: Invitae Variant Classification Sherloc (09022015). Collection method: clinical testing. Allele origin: germline.
Comment: For these reasons, this variant has been classified as Pathogenic. This variant disrupts a region of the TSHB protein in which other variant(s) (p.Cys125Valfs*10) have been determined to be pathogenic (PMID: 8636437, 15297803, 22606512, 27362444, 31166470). This suggests that this is a clinically significant region of the protein, and that variants that disrupt it are likely to be disease-causing. This variant is also known as deletion of T266 in codon 57. This premature translational stop signal has been observed in individual(s) with hypothyroidism (PMID: 15112912). This variant is present in population databases (rs771834192, gnomAD 0.0009%). This sequence change creates a premature translational stop signal (p.Phe77Serfs*6) in the TSHB gene. While this is not anticipated to result in nonsense mediated decay, it is expected to disrupt the last 62 amino acid(s) of the TSHB protein.

Literature cited by the submitters: PubMed 8636437 (cited by Labcorp Genetics (formerly Invitae), Labcorp); PubMed 15297803 (cited by Labcorp Genetics (formerly Invitae), Labcorp); PubMed 22606512 (cited by Labcorp Genetics (formerly Invitae), Labcorp); PubMed 27362444 (cited by Labcorp Genetics (formerly Invitae), Labcorp); PubMed 31166470 (cited by Labcorp Genetics (formerly Invitae), Labcorp); PubMed 15112912 (cited by Labcorp Genetics (formerly Invitae), Labcorp).